The following is an entry in ClinVar:

ClinVar aggregate classification (germline): Likely benign (1 of 4 stars; one submission).

gnomAD v4.1: 36 of 1,208,617 alleles (0.003%); highest among the groups gnomAD compares: Non-Finnish European, 0.0035%; no homozygotes.

Submission:

CeGaT Center for Human Genetics Tuebingen
Classification: Likely benign. Last evaluated: 2026-03-01. Review status: criteria provided, single submitter. Criteria: CeGaT Center For Human Genetics Tuebingen Variant Classification Criteria Version 2. Collection method: clinical testing. Allele origin: germline. Affected: yes. Observed: 1 variant allele.
Comment: AFF2: PM5, BP4, BS2

NM_002025.4(AFF2):c.2779C>T (p.Arg927Cys)

Gene: AFF2 (ALF transcription elongation factor 2; plus strand). Cytogenetic location: Xq28.
Variant type: single nucleotide variant.
Coding change: c.2779C>T on transcript NM_002025.4 (MANE Select); coding-DNA position 2779, C replaced by T.
Protein change: p.Arg927Cys; replaces arginine 927 with cysteine.
Molecular consequence: missense variant.
Genome position (GRCh38, 1-based): chrX:148,962,803, C>T. VCF-style: chrX-148962803-C-T. GRCh37 (hg19) VCF-style: chrX-148044333-C-T.
Other names: c.2680C>T, p.Arg894Cys (NM_001169122.2); c.2749C>T, p.Arg917Cys (NM_001169123.2); c.2674C>T, p.Arg892Cys (NM_001169124.2); c.2662C>T, p.Arg888Cys (NM_001169125.2); c.1702C>T, p.Arg568Cys (NM_001170628.1); short protein forms R568C, R888C, R892C, R894C, R917C, R927C.
Identifiers: ClinVar variation 4821690 (VCV004821690.4).